The following is an entry in ClinVar:

ClinVar aggregate classification (germline): Benign (1 of 4 stars; one submission).

Allele frequency attached by ClinVar (database versions not stated): 1000 Genomes Project 0.25938; 1000 Genomes Project 30x 0.26577; TOPMed 0.29031; gnomAD 0.29303 and 0.29865.
gnomAD v4.1: 44,465 of 151,976 alleles (29%); highest among the groups gnomAD compares: African/African-American, 39%; 6,837 homozygotes.

Submission:

GeneDx
Classification: Benign. Last evaluated: 2018-06-19. Review status: criteria provided, single submitter. Criteria: GeneDx Variant Classification (06012015). Collection method: clinical testing. Allele origin: germline. Affected: yes.
Comment: This variant is considered likely benign or benign based on one or more of the following criteria: it is a conservative change, it occurs at a poorly conserved position in the protein, it is predicted to be benign by multiple in silico algorithms, and/or has population frequency not consistent with disease.

NM_001136472.2(LITAF):c.377+279T>G

Gene: LITAF (lipopolysaccharide induced TNF factor; minus strand). Cytogenetic location: 16p13.13.
Variant type: single nucleotide variant.
Coding change: c.377+279T>G on transcript NM_001136472.2 (MANE Select); 279 bases into the intron after coding-DNA position 377, T replaced by G.
Molecular consequence: intron variant.
Genome position (GRCh38, 1-based): chr16:11,553,254, A>C on the plus strand (T>G on the coding strand, the complement: LITAF is on the minus strand). VCF-style: chr16-11553254-A-C. GRCh37 (hg19) VCF-style: chr16-11647110-A-C.
Other names: c.377+279T>G (NM_001136473.1, NM_004862.4).
Identifiers: ClinVar variation 671793 (VCV000671793.1), dbSNP rs2013719, ClinGen allele CA14212189.